The following is an entry in ClinVar:

NM_004870.4(MPDU1):c.149T>C (p.Ile50Thr)

Gene: MPDU1 (mannose-P-dolichol utilization defect 1; plus strand). Cytogenetic location: 17p13.1.
Variant type: single nucleotide variant.
Coding change: c.149T>C on transcript NM_004870.4 (MANE Select); coding-DNA position 149, T replaced by C.
Protein change: p.Ile50Thr; replaces isoleucine 50 with threonine.
Molecular consequence: missense variant. On other transcripts: non-coding transcript variant (1).
Genome position (GRCh38, 1-based): chr17:7,585,777, T>C. VCF-style: chr17-7585777-T-C. GRCh37 (hg19) VCF-style: chr17-7489095-T-C.
Other names: c.149T>C, p.Ile50Thr (NM_001330073.1); short protein forms I50T.
Identifiers: ClinVar variation 1302252 (VCV001302252.3), dbSNP rs200909635, ClinGen allele CA8352850.

ClinVar aggregate classification (germline): Uncertain significance. Review status: criteria provided, multiple submitters, no conflicts (2 of 4 stars). 2 submissions from 2 submitters: Uncertain significance (2). Last evaluated 2022-07-16.

Conditions:
MPDU1-congenital disorder of glycosylation. Also called: CDG If; CONGENITAL DISORDER OF GLYCOSYLATION, TYPE If; MPDU1-CDG. Identifiers: Orphanet 79323, MedGen C1836669, MONDO:0012211, OMIM 609180.

Allele frequency attached by ClinVar (database versions not stated): ExAC 0.00002; TOPMed 0.00003; gnomAD 0.00004; gnomAD exomes 0.00004; 1000 Genomes Project 30x 0.00016; 1000 Genomes Project 0.00020.
gnomAD v4.1: 17 of 1,614,174 alleles (0.0011%); highest among the groups gnomAD compares: Admixed American, 0.013%; no homozygotes.

Submissions (2):

Labcorp Genetics (formerly Invitae), Labcorp
Classification: Uncertain significance for MPDU1-congenital disorder of glycosylation. Last evaluated: 2022-07-16. Review status: criteria provided, single submitter. Criteria: Invitae Variant Classification Sherloc (09022015). Collection method: clinical testing. Allele origin: germline.
Comment: This sequence change replaces isoleucine, which is neutral and non-polar, with threonine, which is neutral and polar, at codon 50 of the MPDU1 protein (p.Ile50Thr). This variant is present in population databases (rs200909635, gnomAD 0.01%). This variant has not been reported in the literature in individuals affected with MPDU1-related conditions. ClinVar contains an entry for this variant (Variation ID: 1302252). Algorithms developed to predict the effect of missense changes on protein structure and function are either unavailable or do not agree on the potential impact of this missense change (SIFT: "Deleterious"; PolyPhen-2: "Probably Damaging"; Align-GVGD: "Class C0"). In summary, the available evidence is currently insufficient to determine the role of this variant in disease. Therefore, it has been classified as a Variant of Uncertain Significance.

GeneDx
Classification: Uncertain significance. Last evaluated: 2019-04-05. Review status: criteria provided, single submitter. Criteria: GeneDx Variant Classification Process June 2021. Collection method: clinical testing. Allele origin: germline. Affected: yes.
Comment: Not observed at a significant frequency in large population cohorts (Lek et al., 2016); In silico analysis, which includes protein predictors and evolutionary conservation, supports a deleterious effect; Has not been previously published as pathogenic or benign to our knowledge